The following is an entry in ClinVar:

NM_017780.4(CHD7):c.2690G>A (p.Arg897Gln)

Gene: CHD7 (chromodomain helicase DNA binding protein 7; plus strand). Cytogenetic location: 8q12.2.
Variant type: single nucleotide variant.
Coding change: c.2690G>A on transcript NM_017780.4 (MANE Select); coding-DNA position 2690, G replaced by A.
Protein change: p.Arg897Gln; replaces arginine 897 with glutamine.
Molecular consequence: missense variant. On other transcripts: intron variant (1).
Genome position (GRCh38, 1-based): chr8:60,820,083, G>A. VCF-style: chr8-60820083-G-A. GRCh37 (hg19) VCF-style: chr8-61732642-G-A.
Other names: c.1716+39033G>A (NM_001316690.1); short protein forms R897Q.
Identifiers: ClinVar variation 960343 (VCV000960343.16), dbSNP rs773685788, ClinGen allele CA4759793.

ClinVar aggregate classification (germline): Benign/Likely benign. Review status: criteria provided, multiple submitters, no conflicts (2 of 4 stars). 3 submissions from 3 submitters: Benign (1); Likely benign (2). Last evaluated 2025-12-28.

Conditions:
Inborn genetic diseases. Identifiers: MedGen C0950123, MeSH D030342.
CHARGE syndrome (CHARGE). Also called: Hittner Hirsch Kreh syndrome; Coloboma, heart anomaly, choanal atresia, retardation, genital and ear anomalies; CHARGE association; Hall-Hittner syndrome; CHARGE ASSOCIATION--COLOBOMA, HEART ANOMALY, CHOANAL ATRESIA, RETARDATION, GENITAL AND EAR ANOMALIES. Identifiers: Orphanet 138, MedGen C0265354, MONDO:0008965.

Allele frequency attached by ClinVar (database versions not stated): ExAC 0.00002; gnomAD 0.00002; gnomAD exomes 0.00002 and 0.00003; TOPMed 0.00002.
gnomAD v4.1: 50 of 1,602,482 alleles (0.0031%); highest among the groups gnomAD compares: South Asian, 0.0078%; no homozygotes.

Submissions (3):

Labcorp Genetics (formerly Invitae), Labcorp
Classification: Benign for CHARGE syndrome. Last evaluated: 2025-12-28. Review status: criteria provided, single submitter. Criteria: Invitae Variant Classification Sherloc (09022015). Collection method: clinical testing. Allele origin: germline.

Ambry Genetics
Classification: Likely benign for Inborn genetic diseases. Last evaluated: 2025-05-19. Review status: criteria provided, single submitter. Criteria: Ambry Variant Classification Scheme 2023. Collection method: clinical testing. Allele origin: germline.

GeneDx
Classification: Likely benign. Last evaluated: 2019-04-05. Review status: criteria provided, single submitter. Criteria: GeneDx Variant Classification Process June 2021. Collection method: clinical testing. Allele origin: germline. Affected: yes.
Comment: Has not been previously published as pathogenic or benign to our knowledge